The following is an entry in ClinVar:

ClinVar aggregate classification (germline): Uncertain significance (1 of 4 stars; one submission).

Allele frequency attached by ClinVar (database versions not stated): gnomAD exomes below 0.00001; ExAC 0.00001; TOPMed 0.00001; gnomAD 0.00002.
gnomAD v4.1: 3 of 1,613,794 alleles (0.00019%); highest among the groups gnomAD compares: African/African-American, 0.004%; no homozygotes.

Submission:

Labcorp Genetics (formerly Invitae), Labcorp
Classification: Uncertain significance. Last evaluated: 2024-11-05. Review status: criteria provided, single submitter. Criteria: Invitae Variant Classification Sherloc (09022015). Collection method: clinical testing. Allele origin: germline.
Comment: This sequence change replaces threonine, which is neutral and polar, with asparagine, which is neutral and polar, at codon 435 of the HSPG2 protein (p.Thr435Asn). This variant is present in population databases (rs760562821, gnomAD 0.007%). This variant has not been reported in the literature in individuals affected with HSPG2-related conditions. ClinVar contains an entry for this variant (Variation ID: 1468802). An algorithm developed to predict the effect of missense changes on protein structure and function (PolyPhen-2) suggests that this variant is likely to be disruptive. In summary, the available evidence is currently insufficient to determine the role of this variant in disease. Therefore, it has been classified as a Variant of Uncertain Significance.

NM_005529.7(HSPG2):c.1304C>A (p.Thr435Asn)

Gene: HSPG2 (heparan sulfate proteoglycan 2; minus strand). Cytogenetic location: 1p36.12.
Variant type: single nucleotide variant.
Coding change: c.1304C>A on transcript NM_005529.7 (MANE Select); coding-DNA position 1304, C replaced by A.
Protein change: p.Thr435Asn; replaces threonine 435 with asparagine.
Molecular consequence: missense variant.
Genome position (GRCh38, 1-based): chr1:21,885,064, G>T on the plus strand (C>A on the coding strand, the complement: HSPG2 is on the minus strand). VCF-style: chr1-21885064-G-T. GRCh37 (hg19) VCF-style: chr1-22211557-G-T.
Other names: c.1304C>A, p.Thr435Asn (NM_001291860.2); short protein forms T435N.
Identifiers: ClinVar variation 1468802 (VCV001468802.6), dbSNP rs760562821, ClinGen allele CA673489.
Genomic context (GRCh38, chr1:21,885,064, plus strand): 5'-GAGCCGCACCTGGGATGAGAGGGGATGTGGCCCCAGTTGAGCCTCCAATTGATGATGGGG[G>T]TGGGGACGCCAATGGCCACGCAGGTGAAGGTCACTGTCTGGCCCCGGGAAGCCTGGATGG-3'
Protein context (NP_005520.4, residues 425-445): TFTCVAIGVP[Thr435Asn]PIINWRLNWG